The following is an entry in ClinVar:

ClinVar aggregate classification (germline): Likely benign (1 of 4 stars; one submission).

Submission:

Women's Health and Genetics/Laboratory Corporation of America, LabCorp
Classification: Likely benign. Last evaluated: 2024-02-28. Review status: criteria provided, single submitter. Criteria: LabCorp Variant Classification Summary - May 2015. Collection method: clinical testing. Allele origin: germline.
Comment: Variant summary: SLC9A9 c.1604+10G>C alters a non-conserved nucleotide located at a position not widely known to affect splicing. Consensus agreement among computation tools predict no significant impact on normal splicing. However, these predictions have yet to be confirmed by functional studies. The variant was absent in 250870 control chromosomes (gnomAD). The available data on variant occurrences in the general population are insufficient to allow any conclusion about variant significance. To our knowledge, no occurrence of c.1604+10G>C in individuals affected with Autism, Susceptibility To, 16 and no experimental evidence demonstrating its impact on protein function have been reported. No submitters have cited clinical-significance assessments for this variant to ClinVar. Based on the evidence outlined above, the variant was classified as likely benign.

NM_173653.4(SLC9A9):c.1604+10G>C

Gene: SLC9A9 (solute carrier family 9 member A9; minus strand). Cytogenetic location: 3q24.
Variant type: single nucleotide variant.
Coding change: c.1604+10G>C on transcript NM_173653.4 (MANE Select); 10 bases into the intron after coding-DNA position 1604, G replaced by C.
Molecular consequence: intron variant.
Genome position (GRCh38, 1-based): chr3:143,363,474, C>G on the plus strand (G>C on the coding strand, the complement: SLC9A9 is on the minus strand). VCF-style: chr3-143363474-C-G. GRCh37 (hg19) VCF-style: chr3-143082316-C-G.
Identifiers: ClinVar variation 3068831 (VCV003068831.2), dbSNP rs759747796, ClinGen allele CA2825001196.